The following is an entry in ClinVar:

ClinVar aggregate classification (germline): Likely benign. Review status: criteria provided, multiple submitters, no conflicts (2 of 4 stars). 2 submissions from 2 submitters: Likely benign (2). Last evaluated 2025-09-04.

Conditions:
Hereditary breast ovarian cancer syndrome. Also called: Hereditary breast and/or ovarian cancer syndrome; Hereditary breast and ovarian cancer syndrome; Hereditary breast and ovarian cancer syndrome (HBOC); Hereditary breast and ovarian cancer; BRCA1- and BRCA2-Associated Hereditary Breast and Ovarian Cancer; Breast and ovarian cancer. Identifiers: Orphanet 145, MedGen C0677776, MeSH D061325, MONDO:0003582. Disease mechanism: loss of function.

Allele frequency attached by ClinVar (database versions not stated): gnomAD below 0.00001 and 0.00001; ExAC 0.00001; gnomAD exomes 0.00001.
gnomAD v4.1: 10 of 1,605,746 alleles (0.00062%); highest among the groups gnomAD compares: South Asian, 0.011%; no homozygotes.

Submissions (2):

Labcorp Genetics (formerly Invitae), Labcorp
Classification: Likely benign for Hereditary breast ovarian cancer syndrome. Last evaluated: 2025-09-04. Review status: criteria provided, single submitter. Criteria: Invitae Variant Classification Sherloc (09022015). Collection method: clinical testing. Allele origin: germline.

GeneDx
Classification: Likely benign. Last evaluated: 2015-10-07. Review status: criteria provided, single submitter. Criteria: GeneDx Variant Classification (06012015). Collection method: clinical testing. Allele origin: germline. Affected: yes.
Comment: This variant is considered likely benign or benign based on one or more of the following criteria: it is a conservative change, it occurs at a poorly conserved position in the protein, it is predicted to be benign by multiple in silico algorithms, and/or has population frequency not consistent with disease.

NM_000059.4(BRCA2):c.-23T>C

Gene: BRCA2 (BRCA2 DNA repair associated; plus strand). Cytogenetic location: 13q13.1.
Variant type: single nucleotide variant.
Coding change: c.-23T>C on transcript NM_000059.4 (MANE Select); 23 bases upstream of the start codon, T replaced by C.
Molecular consequence: 5 prime UTR variant.
Genome position (GRCh38, 1-based): chr13:32,316,438, T>C. VCF-style: chr13-32316438-T-C. GRCh37 (hg19) VCF-style: chr13-32890575-T-C.
Identifiers: ClinVar variation 381020 (VCV000381020.10), dbSNP rs757349122, ClinGen allele CA6940301.